The following is an entry in ClinVar:

ClinVar aggregate classification (germline): Pathogenic/Likely pathogenic. Review status: criteria provided, multiple submitters, no conflicts (2 of 4 stars). 4 submissions from 3 submitters: Pathogenic (1); Likely pathogenic (2). 1 of the submissions does not count toward it. Last evaluated 2021-09-05.

Conditions:
Pendred syndrome (PDS). Also called: DEAFNESS WITH GOITER; GOITER-DEAFNESS SYNDROME; Pendred Syndrome (PDS); HYPOTHYROIDISM, CONGENITAL, DUE TO DYSHORMONOGENESIS, 2B; THYROID DYSHORMONOGENESIS 2B; THYROID HORMONOGENESIS, GENETIC DEFECT IN, 2B. Identifiers: Orphanet 705, MedGen C0271829, MONDO:0010134, OMIM 274600.
Autosomal recessive nonsyndromic hearing loss 4 (DFNB4). Also called: Enlarged vestibular aqueduct, digenic; FOXI1-Related Pendred Syndrome; KCNJ10-Related Pendred Syndrome; DEAFNESS, AUTOSOMAL RECESSIVE 4, WITH ENLARGED VESTIBULAR AQUEDUCT, DIGENIC; Deafness, autosomal recessive 4; Nonsyndromic enlarged vestibular aqueduct (NSEVA). Identifiers: Orphanet 90636, MedGen C3538946, MONDO:0010933, OMIM 600791.

Submissions (4):

Genome-Nilou Lab
Classification: Likely pathogenic for Autosomal recessive nonsyndromic hearing loss 4. Last evaluated: 2021-09-05. Review status: criteria provided, single submitter. Criteria: ACMG Guidelines, 2015. Collection method: clinical testing. Allele origin: germline. Affected: no.

Genome-Nilou Lab
Classification: Likely pathogenic for Pendred syndrome. Last evaluated: 2021-09-05. Review status: criteria provided, single submitter. Criteria: ACMG Guidelines, 2015. Collection method: clinical testing. Allele origin: germline. Affected: no.

GeneDx
Classification: Pathogenic. Last evaluated: 2018-11-27. Review status: criteria provided, single submitter. Criteria: GeneDx Variant Classification (06012015). Collection method: clinical testing. Allele origin: germline. Affected: yes.
Comment: The W472X nonsense variant has been reported previously in association with hearing loss (Yao et al., 2013). This variant is predicted to cause loss of normal protein function either through protein truncation or nonsense-mediated mRNA decay. The variant is not observed in large population cohorts (Lek et al., 2016). We consider this variant to be pathogenic.

Counsyl
Classification: Likely pathogenic for Pendred syndrome. Last evaluated: 2017-08-08. Review status: no assertion criteria provided. Collection method: clinical testing. Allele origin: unknown. Not counted in ClinVar's aggregate classification.

Literature cited by the submitters: PubMed 23638949 (cited by Counsyl).

NM_000441.2(SLC26A4):c.1415G>A (p.Trp472Ter)

Gene: SLC26A4 (solute carrier family 26 member 4; plus strand). Cytogenetic location: 7q22.3.
Variant type: single nucleotide variant.
Coding change: c.1415G>A on transcript NM_000441.2 (MANE Select); coding-DNA position 1415, G replaced by A.
Protein change: p.Trp472Ter; replaces tryptophan 472 with a stop codon.
Molecular consequence: nonsense.
Genome position (GRCh38, 1-based): chr7:107,694,694, G>A. VCF-style: chr7-107694694-G-A. GRCh37 (hg19) VCF-style: chr7-107335139-G-A.
Other names: short protein forms W472*.
Identifiers: ClinVar variation 553228 (VCV000553228.4), dbSNP rs1554359693, ClinGen allele CA368840838.